The following is an entry in ClinVar:

NM_000219.6(KCNE1):c.69G>C (p.Gln23His)

Gene: KCNE1 (potassium voltage-gated channel subfamily E regulatory subunit 1; minus strand). Cytogenetic location: 21q22.12.
Variant type: single nucleotide variant.
Coding change: c.69G>C on transcript NM_000219.6 (MANE Select); coding-DNA position 69, G replaced by C.
Protein change: p.Gln23His; replaces glutamine 23 with histidine.
Molecular consequence: missense variant.
Genome position (GRCh38, 1-based): chr21:34,449,566, C>G on the plus strand (G>C on the coding strand, the complement: KCNE1 is on the minus strand). VCF-style: chr21-34449566-C-G. GRCh37 (hg19) VCF-style: chr21-35821864-C-G.
Other names: c.69G>C, p.Gln23His (NM_001127668.4, NM_001127669.4, NM_001127670.4 and 4 more transcripts); short protein forms Q23H.
Identifiers: ClinVar variation 3373961 (VCV003373961.2).
Genomic context (GRCh38, chr21:34,449,566, plus strand): 5'-CTCCAGCTTGCCGTCACTGCTGCGGGGGGACCTGCGGGCCAGGCCCGACATGTTGCCACC[C>G]TGCTGAACTGTCTCCTGCCACAGCTTGGTCAGAAAGGGCGTCACCGCTGTGGTGTTAGAC-3'
Protein context (NP_000210.2, residues 13-33): LTKLWQETVQ[Gln23His]GGNMSGLARR

Conditions:
Long QT syndrome 5 (LQT5). Identifiers: Orphanet 101016, Orphanet 768, MedGen C1867904, MONDO:0013372, OMIM 613695.

Submission:

Roden Lab, Vanderbilt University Medical Center
No classification provided (evidence only). Condition: Long QT syndrome 5. Review status: no classification provided. Collection method: in vitro. Allele origin: not applicable. Functional consequence: Effect on ion channel function.
ClinVar note: "not provided" was previously submitted as the classification for the variant. However, the classification appeared to be based only on an observation of functional data so it was converted to no classification on 2025-07-30.